The following is an entry in ClinVar:

NM_004333.6(BRAF):c.2015G>T (p.Gly672Val)

Gene: BRAF (B-Raf proto-oncogene, serine/threonine kinase; minus strand). Cytogenetic location: 7q34.
Variant type: single nucleotide variant.
Coding change: c.2015G>T on transcript NM_004333.6 (MANE Select); coding-DNA position 2015, G replaced by T.
Protein change: p.Gly672Val; replaces glycine 672 with valine.
Molecular consequence: missense variant.
Genome position (GRCh38, 1-based): chr7:140,739,924, C>A on the plus strand (G>T on the coding strand, the complement: BRAF is on the minus strand). VCF-style: chr7-140739924-C-A. GRCh37 (hg19) VCF-style: chr7-140439724-C-A.
Other names: c.2135G>T, p.Gly712Val (NM_001374258.1, NM_001374244.1); c.2024G>T, p.Gly675Val (NM_001378467.1); c.2015G>T, p.Gly672Val (NM_001378468.1, NM_001378474.1, NM_001354609.2); c.1949G>T, p.Gly650Val (NM_001378469.1); c.1913G>T, p.Gly638Val (NM_001378470.1); c.1904G>T, p.Gly635Val (NM_001378471.1); c.1859G>T, p.Gly620Val (NM_001378472.1, NM_001378473.1); c.1751G>T, p.Gly584Val (NM_001378475.1); short protein forms G672V, G584V, G620V, G635V, G638V, G650V, G675V, G712V.
Identifiers: ClinVar variation 477685 (VCV000477685.9), dbSNP rs1428696172, ClinGen allele CA369538502.

ClinVar aggregate classification (germline): Uncertain significance. Review status: criteria provided, multiple submitters, no conflicts (2 of 4 stars). 2 submissions from 2 submitters: Uncertain significance (2). Last evaluated 2022-03-23.

Conditions:
RASopathy. Also called: rasopathies; Noonan spectrum disorder. Identifiers: Orphanet 536391, MedGen C5555857, MONDO:0021060.

Allele frequency attached by ClinVar (database versions not stated): gnomAD 0.00001.
gnomAD v4.1: 1 of 1,613,594 alleles (0.000062%); highest among the groups gnomAD compares: African/African-American, 0.0013%; no homozygotes.

Submissions (2):

Labcorp Genetics (formerly Invitae), Labcorp
Classification: Uncertain significance for RASopathy. Last evaluated: 2022-03-23. Review status: criteria provided, single submitter. Criteria: Invitae Variant Classification Sherloc (09022015). Collection method: clinical testing. Allele origin: germline.
Comment: In summary, the available evidence is currently insufficient to determine the role of this variant in disease. Therefore, it has been classified as a Variant of Uncertain Significance. Advanced modeling of protein sequence and biophysical properties (such as structural, functional, and spatial information, amino acid conservation, physicochemical variation, residue mobility, and thermodynamic stability) performed at Invitae indicates that this missense variant is expected to disrupt BRAF protein function. ClinVar contains an entry for this variant (Variation ID: 477685). This variant has not been reported in the literature in individuals affected with BRAF-related conditions. This variant is present in population databases (no rsID available, gnomAD 0.01%). This sequence change replaces glycine, which is neutral and non-polar, with valine, which is neutral and non-polar, at codon 672 of the BRAF protein (p.Gly672Val).

AiLife Diagnostics
Classification: Uncertain significance. Last evaluated: 2021-12-22. Review status: criteria provided, single submitter. Criteria: ACMG Guidelines, 2015. Collection method: clinical testing. Allele origin: germline. Affected: yes. Observed: 1 variant allele.